The following is an entry in ClinVar:

NM_030665.4(RAI1):c.341G>C (p.Gly114Ala)

Gene: RAI1 (retinoic acid induced 1; plus strand). Cytogenetic location: 17p11.2.
Variant type: single nucleotide variant.
Coding change: c.341G>C on transcript NM_030665.4 (MANE Select); coding-DNA position 341, G replaced by C.
Protein change: p.Gly114Ala; replaces glycine 114 with alanine.
Molecular consequence: missense variant.
Genome position (GRCh38, 1-based): chr17:17,793,289, G>C. VCF-style: chr17-17793289-G-C. GRCh37 (hg19) VCF-style: chr17-17696603-G-C.
Other names: short protein forms G114A.
Identifiers: ClinVar variation 3375135 (VCV003375135.1).
Genomic context (GRCh38, chr17:17,793,289, plus strand): 5'-GGCCGGCTTTCCCTGGCTACGGCGTCCAGGACAGCAGCCCCTACCCAGGCCGCTATGCTG[G>C]TGAGGAGAGCCTTCAGGCTTGGGGGGCCCCACAGCCACCACCCCCACAGCCGCAGCCACT-3'
Protein context (NP_109590.3, residues 104-124): DSSPYPGRYA[Gly114Ala]EESLQAWGAP

ClinVar aggregate classification (germline): Uncertain significance (1 of 4 stars; one submission).

Submission:

Women's Health and Genetics/Laboratory Corporation of America, LabCorp
Classification: Uncertain significance. Last evaluated: 2024-09-02. Review status: criteria provided, single submitter. Criteria: LabCorp Variant Classification Summary - May 2015. Collection method: clinical testing. Allele origin: germline.
Comment: Variant summary: RAI1 c.341G>C (p.Gly114Ala) results in a non-conservative amino acid change in the encoded protein sequence. Three of five in-silico tools predict a benign effect of the variant on protein function. The variant was absent in 243640 control chromosomes. The available data on variant occurrences in the general population are insufficient to allow any conclusion about variant significance. To our knowledge, no occurrence of c.341G>C in individuals affected with Smith-Magenis Syndrome and no experimental evidence demonstrating its impact on protein function have been reported. No submitters have cited clinical-significance assessments for this variant to ClinVar. Based on the evidence outlined above, the variant was classified as uncertain significance.